The following is an entry in ClinVar:

ClinVar aggregate classification (germline): Uncertain significance (1 of 4 stars; one submission).

Submission:

Labcorp Genetics (formerly Invitae), Labcorp
Classification: Uncertain significance. Last evaluated: 2022-03-19. Review status: criteria provided, single submitter. Criteria: Invitae Variant Classification Sherloc (09022015). Collection method: clinical testing. Allele origin: germline.
Comment: This sequence change replaces phenylalanine, which is neutral and non-polar, with leucine, which is neutral and non-polar, at codon 591 of the SI protein (p.Phe591Leu). This variant is not present in population databases (gnomAD no frequency). This variant has not been reported in the literature in individuals affected with SI-related conditions. Advanced modeling of protein sequence and biophysical properties (such as structural, functional, and spatial information, amino acid conservation, physicochemical variation, residue mobility, and thermodynamic stability) performed at Invitae indicates that this missense variant is expected to disrupt SI protein function. In summary, the available evidence is currently insufficient to determine the role of this variant in disease. Therefore, it has been classified as a Variant of Uncertain Significance.

NM_001041.4(SI):c.1771T>C (p.Phe591Leu)

Gene: SI (sucrase-isomaltase; minus strand). Cytogenetic location: 3q26.1.
Variant type: single nucleotide variant.
Coding change: c.1771T>C on transcript NM_001041.4 (MANE Select); coding-DNA position 1771, T replaced by C.
Protein change: p.Phe591Leu; replaces phenylalanine 591 with leucine.
Molecular consequence: missense variant.
Genome position (GRCh38, 1-based): chr3:165,046,957, A>G on the plus strand (T>C on the coding strand, the complement: SI is on the minus strand). VCF-style: chr3-165046957-A-G. GRCh37 (hg19) VCF-style: chr3-164764745-A-G.
Other names: short protein forms F591L.
Identifiers: ClinVar variation 1386200 (VCV001386200.6), dbSNP rs2108228473, ClinGen allele CA355052298.
Genomic context (GRCh38, chr3:165,046,957, plus strand): 5'-GTTCCCATGAAGCAGTATTGTCTCCTAACCAATGCGCAGCATGTCTTCCAGATCCAGCAA[A>G]TGTTGAGCGGGTAAGAATGAAGCTTCTCTTATTAGGAAAAACTTTTTGTACAGCTCTAAA-3'
Protein context (NP_001032.2, residues 581-601): KRSFILTRST[Phe591Leu]AGSGRHAAHW